The following is an entry in ClinVar:

NM_001876.4(CPT1A):c.1770G>A (p.Glu590=)

Gene: CPT1A (carnitine palmitoyltransferase 1A; minus strand). Cytogenetic location: 11q13.3.
Variant type: single nucleotide variant.
Coding change: c.1770G>A on transcript NM_001876.4 (MANE Select); coding-DNA position 1770, G replaced by A.
Protein change: p.Glu590=; no amino-acid change (glutamic acid 590 retained).
Molecular consequence: synonymous variant.
Genome position (GRCh38, 1-based): chr11:68,762,732, C>T on the plus strand (G>A on the coding strand, the complement: CPT1A is on the minus strand). VCF-style: chr11-68762732-C-T. GRCh37 (hg19) VCF-style: chr11-68530200-C-T.
Other names: c.1770G>A, p.Glu590= (NM_001031847.3).
Identifiers: ClinVar variation 439553 (VCV000439553.17), dbSNP rs61731905, ClinGen allele CA6152202.

ClinVar aggregate classification (germline): Likely benign. Review status: criteria provided, multiple submitters, no conflicts (2 of 4 stars). 4 submissions from 4 submitters: Likely benign (3). 1 of the submissions does not count toward it. Last evaluated 2026-01-08.

Conditions:
Carnitine palmitoyl transferase 1A deficiency. Also called: Carnitine palmitoyltransferase 1A deficiency; CPT deficiency, hepatic, type IA; Carnitine palmitoyltransferase type I deficiency; CPT I DEFICIENCY; CPT DEFICIENCY, HEPATIC, TYPE I. Identifiers: Orphanet 156, MedGen C1829703, MONDO:0009705, OMIM 255120.
CPT1A-related disorder. Also called: CPT1A-related condition.

Allele frequency attached by ClinVar (database versions not stated): gnomAD exomes 0.00002 and 0.00003; ExAC 0.00005; gnomAD 0.00015 and 0.00016; 1000 Genomes Project 30x 0.00031; TOPMed 0.00038; 1000 Genomes Project 0.00040.
gnomAD v4.1: 67 of 1,614,104 alleles (0.0042%); highest among the groups gnomAD compares: Admixed American, 0.057%; no homozygotes.

Submissions (4):

Labcorp Genetics (formerly Invitae), Labcorp
Classification: Likely benign for Carnitine palmitoyl transferase 1A deficiency. Last evaluated: 2026-01-08. Review status: criteria provided, single submitter. Criteria: Invitae Variant Classification Sherloc (09022015). Collection method: clinical testing. Allele origin: germline.

Women's Health and Genetics/Laboratory Corporation of America, LabCorp
Classification: Likely benign. Last evaluated: 2023-10-13. Review status: criteria provided, single submitter. Criteria: LabCorp Variant Classification Summary - May 2015. Collection method: clinical testing. Allele origin: germline.

ARUP Laboratories, Molecular Genetics and Genomics, ARUP Laboratories
Classification: Likely benign. Last evaluated: 2017-05-02. Review status: criteria provided, single submitter. Criteria: ARUP Molecular Germline Variant Investigation Process. Collection method: clinical testing. Allele origin: germline.
Comment: The c.1770G>A variant (rs61731905) has not been previously associated with any mitochondrial. This variant is rare in the general population, and is listed in the Genome Aggregation Database (gnomAD) browser with an overall frequency of 0.003% (identified in71 out of 246,118 chromosomes). However, this variant affects a weakly conserved nucleotide (Alamut software v 2.8.1), does not alter the amino acid sequence of CPT1A protein, and is not predicted to alter CPT1A mRNA splicing (Alamut software v 2.8.1). Therefore, the c.1770G>A variant is likely to be benign.

PreventionGenetics, part of Exact Sciences
Classification: Likely benign for CPT1A-related condition. Last evaluated: 2020-06-10. Review status: no assertion criteria provided. Collection method: clinical testing. Allele origin: germline. Not counted in ClinVar's aggregate classification.
Comment: This variant is classified as likely benign based on ACMG/AMP sequence variant interpretation guidelines (Richards et al. 2015 PMID: 25741868, with internal and published modifications).